The following is an entry in ClinVar:

NM_001184785.2(PARD3):c.3196G>C (p.Glu1066Gln)

Gene: PARD3 (par-3 family cell polarity regulator; minus strand). Cytogenetic location: 10p11.21.
Variant type: single nucleotide variant.
Coding change: c.3196G>C on transcript NM_001184785.2 (MANE Select); coding-DNA position 3196, G replaced by C.
Protein change: p.Glu1066Gln; replaces glutamic acid 1066 with glutamine.
Molecular consequence: missense variant.
Genome position (GRCh38, 1-based): chr10:34,269,880, C>G on the plus strand (G>C on the coding strand, the complement: PARD3 is on the minus strand). VCF-style: chr10-34269880-C-G. GRCh37 (hg19) VCF-style: chr10-34558808-C-G.
Other names: c.3157G>C, p.Glu1053Gln (NM_001184786.2); c.3094G>C, p.Glu1032Gln (NM_001184787.2); c.3067G>C, p.Glu1023Gln (NM_001184788.2); c.2956G>C, p.Glu986Gln (NM_001184789.2); c.2935G>C, p.Glu979Gln (NM_001184790.2); c.2869G>C, p.Glu957Gln (NM_001184791.2); c.3205G>C, p.Glu1069Gln (NM_019619.4); short protein forms E1023Q, E1032Q, E1053Q, E1066Q, E1069Q, E957Q, E979Q, E986Q.
Identifiers: ClinVar variation 3040888 (VCV003040888.2), dbSNP rs3758458, ClinGen allele CA5467353.
Genomic context (GRCh38, chr10:34,269,880, plus strand): 5'-TCCGATGAAAATCTTGAATTTCAGCATAGTCACGCTCTCGAGCTTGTCGTTCCCTAAATT[C>G]TCGAGTTTTGGCTTGAATCCTATGAAATCAGAACAAAGTTGAAATAAGAGAAACCTTTCC-3'
Protein context (NP_001171714.1, residues 1056-1076): EQERIQAKTR[Glu1066Gln]FRERQARERD

ClinVar aggregate classification (germline): Likely benign (0 of 4 stars; one submission).

Conditions:
PARD3-related disorder. Also called: PARD3-related condition.

Allele frequency attached by ClinVar (database versions not stated): TOPMed 0.00018; ExAC 0.00027; 1000 Genomes Project 30x 0.00031; gnomAD exomes 0.00009; gnomAD 0.00015; 1000 Genomes Project 0.00040.
gnomAD v4.1: 159 of 1,613,688 alleles (0.0099%); highest among the groups gnomAD compares: East Asian, 0.28%; 2 homozygotes.

Submission:

PreventionGenetics, part of Exact Sciences
Classification: Likely benign for PARD3-related condition. Last evaluated: 2022-03-15. Review status: no assertion criteria provided. Collection method: clinical testing. Allele origin: germline.
Comment: This variant is classified as likely benign based on ACMG/AMP sequence variant interpretation guidelines (Richards et al. 2015 PMID: 25741868, with internal and published modifications).